The following is an entry in ClinVar:

NM_000808.4(GABRA3):c.186C>A (p.Asp62Glu)

Gene: GABRA3 (gamma-aminobutyric acid type A receptor subunit alpha3; minus strand). Cytogenetic location: Xq28.
Variant type: single nucleotide variant.
Coding change: c.186C>A on transcript NM_000808.4 (MANE Select); coding-DNA position 186, C replaced by A.
Protein change: p.Asp62Glu; replaces aspartic acid 62 with glutamic acid.
Molecular consequence: missense variant.
Genome position (GRCh38, 1-based): chrX:152,345,657, G>T on the plus strand (C>A on the coding strand, the complement: GABRA3 is on the minus strand). VCF-style: chrX-152345657-G-T. GRCh37 (hg19) VCF-style: chrX-151514129-G-T.
Other names: short protein forms D62E.
Identifiers: ClinVar variation 3347173 (VCV003347173.1).

ClinVar aggregate classification (germline): Uncertain significance (0 of 4 stars; one submission).

Conditions:
GABRA3-related disorder. Also called: GABRA3-related condition.

Submission:

PreventionGenetics, part of Exact Sciences
Classification: Uncertain significance for GABRA3-related condition. Last evaluated: 2024-04-16. Review status: no assertion criteria provided. Collection method: clinical testing. Allele origin: germline.
Comment: The GABRA3 c.186C>A variant is predicted to result in the amino acid substitution p.Asp62Glu. To our knowledge, this variant has not been reported in the literature or in a large population database, indicating this variant is rare. At this time, the clinical significance of this variant is uncertain due to the absence of conclusive functional and genetic evidence.